The following is an entry in ClinVar:

NM_001363711.2(DUOX2):c.857G>A (p.Arg286His)

Gene: DUOX2 (dual oxidase 2; minus strand). Cytogenetic location: 15q21.1.
Variant type: single nucleotide variant.
Coding change: c.857G>A on transcript NM_001363711.2 (MANE Select); coding-DNA position 857, G replaced by A.
Protein change: p.Arg286His; replaces arginine 286 with histidine.
Molecular consequence: missense variant.
Genome position (GRCh38, 1-based): chr15:45,111,136, C>T on the plus strand (G>A on the coding strand, the complement: DUOX2 is on the minus strand). VCF-style: chr15-45111136-C-T. GRCh37 (hg19) VCF-style: chr15-45403334-C-T.
Other names: c.857G>A, p.Arg286His (NM_014080.5); short protein forms R286H.
Identifiers: ClinVar variation 3895903 (VCV003895903.1).

ClinVar aggregate classification (germline): Likely pathogenic (1 of 4 stars; one submission).

Conditions:
Thyroid dyshormonogenesis 6 (TDH6). Also called: Genetic transient congenital hypothyroidism; THYROID HORMONOGENESIS, GENETIC DEFECT IN, 6; HYPOTHYROIDISM, CONGENITAL, DUE TO DYSHORMONOGENESIS, 6. Identifiers: Orphanet 226316, Orphanet 95716, MedGen C1846632, MONDO:0011792, OMIM 607200.

Submission:

Women's Health and Genetics/Laboratory Corporation of America, LabCorp
Classification: Likely pathogenic for Thyroid dyshormonogenesis 6. Last evaluated: 2025-03-27. Review status: criteria provided, single submitter. Criteria: LabCorp Variant Classification Summary - May 2015. Collection method: clinical testing. Allele origin: germline.
Comment: Variant summary: DUOX2 c.857G>A (p.Arg286His) results in a non-conservative amino acid change in the encoded protein sequence. Five of five in-silico tools predict a damaging effect of the variant on protein function. The variant was absent in 67734 control chromosomes (gnomAD). The available data on variant occurrences in the general population are insufficient to allow any conclusion about variant significance. c.857G>A has been reported in the literature in at least one individual affected with early onset inflammatory bowel disease (Parlato_2017). These data do not allow any conclusion about variant significance. At least one publication reports experimental evidence evaluating an impact on protein function and this variant affected DUOX2 protein function (Parlato_2017). The following publications have been ascertained in the context of this evaluation (PMID: 31172499, 35429653, 28683258, 38456993, 31172500). No submitters have cited clinical-significance assessments for this variant to ClinVar. Based on the evidence outlined above, the variant was classified as likely pathogenic.

Literature cited by the submitters: PubMed 35429653; PubMed 31172499; PubMed 28683258; PubMed 38456993; PubMed 31172500.